The following is an entry in ClinVar:

ClinVar aggregate classification (germline): Uncertain significance (1 of 4 stars; one submission).

Submission:

GeneDx
Classification: Uncertain significance. Last evaluated: 2024-03-09. Review status: criteria provided, single submitter. Criteria: GeneDx Variant Classification Process June 2021. Collection method: clinical testing. Allele origin: germline. Affected: yes.
Comment: Not observed at significant frequency in large population cohorts (gnomAD); In silico analysis supports a deleterious effect on protein structure/function; Has not been previously published as pathogenic or benign to our knowledge

NM_015559.3(SETBP1):c.3824_3825delinsGG (p.Ser1275Trp)

Gene: SETBP1 (SET binding protein 1; plus strand). Cytogenetic location: 18q12.3.
Variant type: Indel.
Coding change: c.3824_3825delinsGG on transcript NM_015559.3 (MANE Select); coding-DNA positions 3824 to 3825, CA replaced by GG.
Protein change: p.Ser1275Trp; replaces serine 1275 with tryptophan.
Molecular consequence: missense variant.
Genome position (GRCh38, 1-based): chr18:44,953,164-44,953,165, CA replaced by GG. VCF-style: chr18-44953164-CA-GG. GRCh37 (hg19) VCF-style: chr18-42533129-CA-GG.
Other names: c.3824_3825delinsGG, p.Ser1275Trp (NM_001379141.1, NM_001379142.1, NM_001410862.1); short protein forms S1275W.
Identifiers: ClinVar variation 3370767 (VCV003370767.1).